The following is an entry in ClinVar:

NM_017739.4(POMGNT1):c.563_564del (p.Thr188fs)

Genes: POMGNT1 (protein O-linked mannose N-acetylglucosaminyltransferase 1 (beta 1,2-); minus strand), TSPAN1 (tetraspanin 1; plus strand). Cytogenetic location: 1p34.1.
Variant type: Microsatellite.
Coding change: c.563_564del on transcript NM_017739.4 (MANE Select); coding-DNA positions 563 to 564, 2 bases deleted (CA; older notation c.563_564delCA).
Protein change: p.Thr188fs; shifts the reading frame from threonine 188.
Molecular consequence: frameshift variant.
Genome position (GRCh38, 1-based): chr1:46,194,932-46,194,933, TG deleted on the plus strand (CA on the coding strand, the reverse complement: POMGNT1 is on the minus strand); deleting any 2 consecutive bases within chr1:46,194,932-46,194,936 gives the same sequence; the c. name uses the placement nearest the transcript's 3' end. VCF-style (leftmost placement, unchanged base first): chr1-46194931-CTG-C. GRCh37 (hg19) VCF-style: chr1-46660603-CTG-C.
Other names: NM_017739.4(POMGNT1):c.563_564del; p.Thr188fs; c.563_564del (NM_017739.3); c.563_564del, p.Thr188fs (NM_001243766.2, NM_001410783.1); c.494_495AC[1], p.Thr166Serfs (NM_001290129.3); c.134_135del, p.Thr45fs (NM_001290130.2); short protein forms T45fs, T188fs, T166fs.
Identifiers: ClinVar variation 1451968 (VCV001451968.8), dbSNP rs757322014, ClinGen allele CA833684.

ClinVar aggregate classification (germline): Pathogenic/Likely pathogenic. Review status: criteria provided, multiple submitters, no conflicts (2 of 4 stars). 3 submissions from 3 submitters: Pathogenic (1); Likely pathogenic (2). Last evaluated 2025-08-11.

Conditions:
Autosomal recessive limb-girdle muscular dystrophy type 2O. Also called: Limb-Girdle Muscular Dystrophy Type 3C; MUSCULAR DYSTROPHY-DYSTROGLYCANOPATHY (LIMB-GIRDLE), TYPE C, 3; MUSCULAR DYSTROPHY-DYSTROGLYCANOPATHY, LIMB-GIRDLE, POMGNT1-RELATED. Identifiers: Orphanet 206564, MedGen C3150417, MONDO:0013161, OMIM 613157.
Muscular dystrophy-dystroglycanopathy (congenital with impaired intellectual development), type B, 3. Also called: Muscular dystrophy-dystroglycanopathy (congenital with intellectual disability), type B3; MUSCULAR DYSTROPHY, CONGENITAL, POMGNT1-RELATED. Identifiers: MedGen C3150412, MONDO:0013155, OMIM 613151.
Muscular dystrophy-dystroglycanopathy. Also called: Congenital muscular dystrophy due to dystroglycanopathy. Identifiers: Orphanet 370953, MedGen C5679911, MONDO:0018276.
Muscle eye brain disease (MEB). Also called: Santavuori congenital muscular dystrophy. Identifiers: Orphanet 588, Orphanet 899, MedGen C0457133, MONDO:0018939.

Submissions (3):

Labcorp Genetics (formerly Invitae), Labcorp
Classification: Pathogenic for Autosomal recessive limb-girdle muscular dystrophy type 2O; Muscular dystrophy-dystroglycanopathy (congenital with impaired intellectual development), type B, 3. Last evaluated: 2025-08-11. Review status: criteria provided, single submitter. Criteria: Invitae Variant Classification Sherloc (09022015). Collection method: clinical testing. Allele origin: germline.
Comment: This sequence change creates a premature translational stop signal (p.Thr188Serfs*39) in the POMGNT1 gene. It is expected to result in an absent or disrupted protein product. Loss-of-function variants in POMGNT1 are known to be pathogenic (PMID: 19299310, 20816175, 21447391, 26908613, 27391550). This variant is present in population databases (rs757322014, gnomAD 0.02%). This variant has not been reported in the literature in individuals affected with POMGNT1-related conditions. Algorithms developed to predict the effect of sequence changes on RNA splicing suggest that this variant may disrupt the consensus splice site. For these reasons, this variant has been classified as Pathogenic.

Broad Center for Mendelian Genomics, Broad Institute of MIT and Harvard
Classification: Likely pathogenic for Muscular dystrophy-dystroglycanopathy. Last evaluated: 2025-05-06. Review status: criteria provided, single submitter. Criteria: ACMG Guidelines, 2015. Collection method: curation. Allele origin: germline. Inheritance: Autosomal recessive inheritance.
Comment: The p.Thr188fs variant in POMGNT1 has not been previously reported in the literature in individuals with POMGNT1-associated muscular dystrophy-dystroglycanopathy, but has been identified in 0.008% (5/60036) of Admixed American chromosomes by the Genome Aggregation Database (gnomAD; dbSNP ID: rs949714416). Although this variant has been seen in the general population in a heterozygous state, its frequency is low enough to be consistent with a recessive carrier frequency. This variant has also been reported in ClinVar (Variation ID#1451968) and has been interpreted as pathogenic by Labcorp Genetics. This variant is predicted to cause a frameshift, which alters the protein’s amino acid sequence beginning at position 188 and leads to a premature termination codon 39 amino acids downstream. This alteration is then predicted to lead to a truncated or absent protein. Loss of function is an established disease mechanism in autosomal recessive POMGNT1-associated muscular dystrophy-dystroglycanopathy. In summary, although additional studies are required to fully establish its clinical significance, this variant is likely pathogenic for autosomal recessive POMGNT1-associated muscular dystrophy-dystroglycanopathy. ACMG/AMP Criteria applied: PM2_supporting, PVS1 (Richards 2015).

Natera, Inc.
Classification: Likely pathogenic for Muscle-eye-brain disease. Last evaluated: 2024-06-17. Review status: criteria provided, single submitter. Criteria: Natera Variant Classification Schema (03/2026). Collection method: clinical testing. Allele origin: germline.
Comment: The c.563_564del variant in POMGNT1 is a frameshift variant predicted to shift the reading frame beginning at codon 188 and leads to a stop codon 39 codons downstream. This variant is expected to result in nonsense mediated decay, truncation, or a dysfunctional protein product. This variant is rare in the general population with a frequency below the threshold expected for the associated phenotype(s). Given the available evidence, this variant is classified as Likely Pathogenic.

Literature cited by the submitters: PubMed 19299310 (cited by Labcorp Genetics (formerly Invitae), Labcorp); PubMed 20816175 (cited by Labcorp Genetics (formerly Invitae), Labcorp); PubMed 21447391 (cited by Labcorp Genetics (formerly Invitae), Labcorp); PubMed 26908613 (cited by Labcorp Genetics (formerly Invitae), Labcorp); PubMed 27391550 (cited by Labcorp Genetics (formerly Invitae), Labcorp).